The following is an entry in ClinVar:

ClinVar aggregate classification (germline): Uncertain significance. Review status: criteria provided, multiple submitters, no conflicts (2 of 4 stars). 2 submissions from 2 submitters: Uncertain significance (2). Last evaluated 2025-04-29.

Conditions:
Renal cell carcinoma. Identifiers: Orphanet 217071, MedGen C0007134, MeSH D002292, MONDO:0005086, HP:0005584.
Hereditary cancer-predisposing syndrome. Also called: Tumor predisposition; Hereditary Cancer Syndrome; Hereditary neoplastic syndrome; Neoplastic Syndromes, Hereditary. Identifiers: Orphanet 140162, MedGen C0027672, MeSH D009386, MONDO:0015356.

Allele frequency attached by ClinVar (database versions not stated): gnomAD exomes below 0.00001.
gnomAD v4.1: 1 of 1,614,062 alleles (0.000062%); highest among the groups gnomAD compares: East Asian, 0.0022%; no homozygotes.

Submissions (2):

Labcorp Genetics (formerly Invitae), Labcorp
Classification: Uncertain significance for Renal cell carcinoma. Last evaluated: 2025-04-29. Review status: criteria provided, single submitter. Criteria: Invitae Variant Classification Sherloc (09022015). Collection method: clinical testing. Allele origin: germline.
Comment: This sequence change replaces isoleucine, which is neutral and non-polar, with methionine, which is neutral and non-polar, at codon 852 of the MET protein (p.Ile852Met). This variant is not present in population databases (gnomAD no frequency). This variant has not been reported in the literature in individuals affected with MET-related conditions. ClinVar contains an entry for this variant (Variation ID: 2624919). An algorithm developed to predict the effect of missense changes on protein structure and function (PolyPhen-2) suggests that this variant is likely to be tolerated. In summary, the available evidence is currently insufficient to determine the role of this variant in disease. Therefore, it has been classified as a Variant of Uncertain Significance.

Ambry Genetics
Classification: Uncertain significance for Hereditary cancer-predisposing syndrome. Last evaluated: 2023-07-05. Review status: criteria provided, single submitter. Criteria: Ambry Variant Classification Scheme 2023. Collection method: clinical testing. Allele origin: germline.
Comment: The p.I852M variant (also known as c.2556T>G), located in coding exon 10 of the MET gene, results from a T to G substitution at nucleotide position 2556. The isoleucine at codon 852 is replaced by methionine, an amino acid with highly similar properties. This amino acid position is not well conserved in available vertebrate species. In addition, this alteration is predicted to be tolerated by in silico analysis. Since supporting evidence is limited at this time, the clinical significance of this alteration remains unclear.

NM_000245.4(MET):c.2502T>G (p.Ile834Met)

Gene: MET (MET proto-oncogene, receptor tyrosine kinase; plus strand). Cytogenetic location: 7q31.2.
Variant type: single nucleotide variant.
Coding change: c.2502T>G on transcript NM_000245.4 (MANE Select); coding-DNA position 2502, T replaced by G.
Protein change: p.Ile834Met; replaces isoleucine 834 with methionine.
Molecular consequence: missense variant.
Genome position (GRCh38, 1-based): chr7:116,763,187, T>G. VCF-style: chr7-116763187-T-G. GRCh37 (hg19) VCF-style: chr7-116403241-T-G.
Other names: c.2556T>G, p.Ile852Met (NM_001127500.3); c.2502T>G, p.Ile834Met (NM_001324401.3); c.1212T>G, p.Ile404Met (NM_001324402.2); short protein forms I404M, I852M, I834M.
Identifiers: ClinVar variation 2624919 (VCV002624919.3), dbSNP rs45450897, ClinGen allele CA164897791.